The following is an entry in ClinVar:

NM_001040142.2(SCN2A):c.4150A>G (p.Ser1384Gly)

Gene: SCN2A (sodium voltage-gated channel alpha subunit 2; plus strand). Cytogenetic location: 2q24.3.
Variant type: single nucleotide variant.
Coding change: c.4150A>G on transcript NM_001040142.2 (MANE Select); coding-DNA position 4150, A replaced by G.
Protein change: p.Ser1384Gly; replaces serine 1384 with glycine.
Molecular consequence: missense variant.
Genome position (GRCh38, 1-based): chr2:165,374,862, A>G. VCF-style: chr2-165374862-A-G. GRCh37 (hg19) VCF-style: chr2-166231372-A-G.
Other names: c.4150A>G, p.Ser1384Gly (NM_001040143.2, NM_001371246.1, NM_001371247.1 and 1 more transcripts); short protein forms S1384G.
Identifiers: ClinVar variation 4689184 (VCV004689184.1).

ClinVar aggregate classification (germline): Uncertain significance (1 of 4 stars; one submission).

Submission:

Women's Health and Genetics/Laboratory Corporation of America, LabCorp
Classification: Uncertain significance. Last evaluated: 2026-01-21. Review status: criteria provided, single submitter. Criteria: LabCorp Variant Classification Summary - May 2015. Collection method: clinical testing. Allele origin: germline.
Comment: Variant summary: SCN2A c.4150A>G (p.Ser1384Gly) results in a non-conservative amino acid change in the encoded protein sequence. Algorithms developed to predict the effect of missense changes on protein structure and function all suggest that this variant is likely to be disruptive. The variant was absent in 250498 control chromosomes. The available data on variant occurrences in the general population are insufficient to allow any conclusion about variant significance. To our knowledge, no occurrence of c.4150A>G in individuals affected with SCN2A-related conditions and no experimental evidence demonstrating its impact on protein function have been reported. No submitters have cited clinical-significance assessments for this variant to ClinVar. Based on the evidence outlined above, the variant was classified as uncertain significance.